The following is an entry in ClinVar:

ClinVar aggregate classification (germline): Uncertain significance (1 of 4 stars; one submission).

gnomAD v4.1: 2 of 1,528,630 alleles (0.00013%); highest among the groups gnomAD compares: Admixed American, 0.0021%; no homozygotes.

Submission:

GeneDx
Classification: Uncertain significance. Last evaluated: 2023-04-27. Review status: criteria provided, single submitter. Criteria: GeneDx Variant Classification Process June 2021. Collection method: clinical testing. Allele origin: germline. Affected: yes.
Comment: Not observed at significant frequency in large population cohorts (gnomAD); In silico analysis supports that this missense variant has a deleterious effect on protein structure/function; Has not been previously published as pathogenic or benign to our knowledge

NM_002430.3(MN1):c.2285G>A (p.Gly762Asp)

Gene: MN1 (MN1 proto-oncogene, transcriptional regulator; minus strand). Cytogenetic location: 22q12.1.
Variant type: single nucleotide variant.
Coding change: c.2285G>A on transcript NM_002430.3 (MANE Select); coding-DNA position 2285, G replaced by A.
Protein change: p.Gly762Asp; replaces glycine 762 with aspartic acid.
Molecular consequence: missense variant.
Genome position (GRCh38, 1-based): chr22:27,798,259, C>T on the plus strand (G>A on the coding strand, the complement: MN1 is on the minus strand). VCF-style: chr22-27798259-C-T. GRCh37 (hg19) VCF-style: chr22-28194247-C-T.
Other names: short protein forms G762D.
Identifiers: ClinVar variation 2663612 (VCV002663612.1), dbSNP rs866112872, ClinGen allele CA411045997.